The following is an entry in ClinVar:

ClinVar aggregate classification (germline): Uncertain significance. Review status: criteria provided, multiple submitters, no conflicts (2 of 4 stars). 7 submissions from 7 submitters: Uncertain significance (7). Last evaluated 2026-09-25.

Conditions:
PKP2-related disorder. Also called: PKP2-related condition.
Cardiovascular phenotype. Identifiers: MedGen CN230736.
Arrhythmogenic right ventricular cardiomyopathy (ARVD). Also called: Arrhythmogenic cardiomyopathy; Cardiomyopathy, ARVC; Arrhythmogenic right ventricular dysplasia; Arrhythmogenic Right Ventricular Cardiomyopathy (ARVC). Identifiers: Orphanet 247, MedGen C0349788, MeSH D019571, MONDO:0016587. Disease mechanism: loss of function. Inheritance: Various modes of inheritance.
Cardiomyopathy (CMYO). Also called: Cardiomyopathies. Identifiers: Orphanet 167848, MedGen C0878544, MONDO:0004994, HP:0001638. Inheritance: Various modes of inheritance.
Arrhythmogenic right ventricular dysplasia 9 (ARVD9). Also called: Arrhythmogenic Right Ventricular Dysplasia/Cardiomyopathy 9; ARRHYTHMOGENIC RIGHT VENTRICULAR DYSPLASIA, FAMILIAL, 9. Identifiers: MedGen C1836906, MONDO:0012180, OMIM 609040.

Submissions (7):

PreventionGenetics, part of Exact Sciences
Classification: Uncertain significance for PKP2-related condition. Last evaluated: 2026-09-25. Review status: criteria provided, single submitter. Criteria: ACMG Guidelines, 2015. Collection method: clinical testing. Allele origin: germline.
Comment: The PKP2 c.968_971delinsGCCT variant is predicted to result in an in-frame deletion and insertion. This variant was reported in an individual with cardiomyopathy (Dries et al. 2021. PubMed ID: 34120153). This variant has not been reported in a large population database (gnomAD), indicating this variant is rare. At this time, the clinical significance of this variant is uncertain due to the absence of conclusive functional and genetic evidence.

Color Diagnostics, LLC DBA Color Health
Classification: Uncertain significance for Cardiomyopathy. Last evaluated: 2025-04-09. Review status: criteria provided, single submitter. Criteria: ACMG Guidelines, 2015. Collection method: clinical testing. Allele origin: germline.
Comment: This variant causes an in-frame substitution of two amino acids at codons 323 and 324 with two novel amino acids in the PKP2 protein (p.Gln323_Ala324delinsArgLeu). To our knowledge, functional studies have not been reported for this variant. This variant has been reported in over 40 individuals not known to be affected with arrhythmogenic cardiomyopathy (PMID: 34120153, 35819174). This variant has been identified in 12/281568 chromosomes in the general population by the Genome Aggregation Database (gnomAD). The available evidence is insufficient to determine the role of this variant in disease conclusively. Therefore, this variant is classified as a Variant of Uncertain Significance.

GeneDx
Classification: Uncertain significance. Last evaluated: 2025-02-21. Review status: criteria provided, single submitter. Criteria: GeneDx Variant Classification Process June 2021. Collection method: clinical testing. Allele origin: germline. Affected: yes.
Comment: Reported in association with cardiomyopathy in published literature (PMID: 34120153); In silico analysis indicates that this variant does not alter protein structure/function; This variant is associated with the following publications: (PMID: 34120153)

Labcorp Genetics (formerly Invitae), Labcorp
Classification: Uncertain significance for Arrhythmogenic right ventricular dysplasia 9. Last evaluated: 2024-12-04. Review status: criteria provided, single submitter. Criteria: Invitae Variant Classification Sherloc (09022015). Collection method: clinical testing. Allele origin: germline.
Comment: This variant, c.968_971delinsGCCT, is a complex sequence change that results in the deletion of 2 and insertion of 2 amino acid(s) in the PKP2 protein (p.Gln323_Ala324delinsArgLeu). Information on the frequency of this variant in the gnomAD database is not available, as this variant may be reported differently in the database. This variant has been observed in individual(s) with clinical features of arrhythmogenic cardiomyopathy (PMID: 34120153, 35819174). ClinVar contains an entry for this variant (Variation ID: 1693192). Experimental studies and prediction algorithms are not available or were not evaluated, and the functional significance of this variant is currently unknown. In summary, the available evidence is currently insufficient to determine the role of this variant in disease. Therefore, it has been classified as a Variant of Uncertain Significance.

Ambry Genetics
Classification: Uncertain significance for Cardiovascular phenotype. Last evaluated: 2023-12-28. Review status: criteria provided, single submitter. Criteria: Ambry Variant Classification Scheme 2023. Collection method: clinical testing. Allele origin: germline.
Comment: The c.968_971delAGGCinsGCCT variant (also known as p.Q323_A324delinsRL), located in coding exon 3 of the PKP2 gene, results from an in-frame deletion of AGGC and insertion of GCCT at nucleotide positions 968 to 971. This results in the substitution of glutamine and alanine residues for arginine and leucine residues at codons 323 and 324. This variant has been reported in non-arrhythmogenic cardiomyopathy control individuals from a PKP2 study cohort (Dries AM et al. Genet Med, 2021 Oct;23:1961-1968). These amino acid positions are not well conserved in available vertebrate species. In addition, this alteration is predicted to be neutral by in silico analysis (Choi Y et al. PLoS ONE. 2012; 7(10):e46688). Since supporting evidence is limited at this time, the clinical significance of this alteration remains unclear.

All of Us Research Program, National Institutes of Health
Classification: Uncertain significance for Arrhythmogenic right ventricular cardiomyopathy. Last evaluated: 2023-08-08. Review status: criteria provided, single submitter. Criteria: ACMG Guidelines, 2015. Collection method: clinical testing. Allele origin: germline. Inheritance: Autosomal dominant inheritance. Observed: 1 variant allele, 1 heterozygote.
Comment: This study involves interpretation of variants in research participants for the purpose of population health screening. Participant phenotype was not available at the time of variant classification. Additional details can be found in publication PMID: 35346344, PMCID: PMC8962531

Fulgent Genetics
Classification: Uncertain significance for Arrhythmogenic right ventricular dysplasia 9. Last evaluated: 2021-10-13. Review status: criteria provided, single submitter. Criteria: ACMG Guidelines, 2015. Collection method: clinical testing. Allele origin: unknown.

Literature cited by the submitters: PubMed 34120153 (cited by 3 submitters); PubMed 35819174 (cited by Color Diagnostics, LLC DBA Color Health and Labcorp Genetics (formerly Invitae), Labcorp).

NM_001005242.3(PKP2):c.968_971inv (p.Gln323_Ala324delinsArgLeu)

Gene: PKP2 (plakophilin 2; minus strand). Cytogenetic location: 12p11.21.
Variant type: Inversion.
Coding change: c.968_971inv on transcript NM_001005242.3 (MANE Select).
Protein change: p.Gln323_Ala324delinsArgLeu.
Molecular consequence: missense variant.
Genome position: GRCh38 VCF-style: chr12-32877909-GCCT-AGGC. GRCh37 (hg19) VCF-style: chr12-33030843-GCCT-AGGC.
Other names: c.968_971inv, p.Gln323_Ala324delinsArgLeu (NM_004572.4); c.968_971delinsGCCT (NM_004572.4).
Identifiers: ClinVar variation 464434 (VCV000464434.18), ClinGen allele CA012601.